The following is an entry in ClinVar:

NM_006420.3(ARFGEF2):c.1015G>C (p.Gly339Arg)

Gene: ARFGEF2 (ARF guanine nucleotide exchange factor 2; plus strand). Cytogenetic location: 20q13.13.
Variant type: single nucleotide variant.
Coding change: c.1015G>C on transcript NM_006420.3 (MANE Select); coding-DNA position 1015, G replaced by C.
Protein change: p.Gly339Arg; replaces glycine 339 with arginine.
Molecular consequence: missense variant.
Genome position (GRCh38, 1-based): chr20:48,965,979, G>C. VCF-style: chr20-48965979-G-C. GRCh37 (hg19) VCF-style: chr20-47582516-G-C.
Other names: short protein forms G339R.
Identifiers: ClinVar variation 982854 (VCV000982854.6), dbSNP rs756966050, ClinGen allele CA9898298.

ClinVar aggregate classification (germline): Uncertain significance. Review status: criteria provided, multiple submitters, no conflicts (2 of 4 stars). 3 submissions from 3 submitters: Uncertain significance (3). Last evaluated 2025-07-12.

Conditions:
Periventricular heterotopia with microcephaly, autosomal recessive (ARPHM). Also called: PERIVENTRICULAR NODULAR HETEROTOPIA 2; Periventricular heterotopia with microcephaly. Identifiers: Orphanet 2149, MedGen C1842563, MONDO:0011966, OMIM 608097.
Inborn genetic diseases. Identifiers: MedGen C0950123, MeSH D030342.

Allele frequency attached by ClinVar (database versions not stated): ExAC 0.00001; TOPMed 0.00001; gnomAD 0.00002.
gnomAD v4.1: 14 of 1,614,012 alleles (0.00087%); highest among the groups gnomAD compares: Admixed American, 0.0017%; no homozygotes.

Submissions (3):

Ambry Genetics
Classification: Uncertain significance for Inborn genetic diseases. Last evaluated: 2025-07-12. Review status: criteria provided, single submitter. Criteria: Ambry Variant Classification Scheme 2023. Collection method: clinical testing. Allele origin: germline.

Labcorp Genetics (formerly Invitae), Labcorp
Classification: Uncertain significance. Last evaluated: 2023-05-08. Review status: criteria provided, single submitter. Criteria: Invitae Variant Classification Sherloc (09022015). Collection method: clinical testing. Allele origin: germline.
Comment: In summary, the available evidence is currently insufficient to determine the role of this variant in disease. Therefore, it has been classified as a Variant of Uncertain Significance. An algorithm developed to predict the effect of missense changes on protein structure and function (PolyPhen-2) suggests that this variant is likely to be tolerated. ClinVar contains an entry for this variant (Variation ID: 982854). This variant has not been reported in the literature in individuals affected with ARFGEF2-related conditions. This variant is present in population databases (rs756966050, gnomAD 0.002%). This sequence change replaces glycine, which is neutral and non-polar, with arginine, which is basic and polar, at codon 339 of the ARFGEF2 protein (p.Gly339Arg).

Institute of Human Genetics, University of Leipzig Medical Center
Classification: Uncertain significance for Periventricular heterotopia with microcephaly, autosomal recessive. Last evaluated: 2019-01-01. Review status: criteria provided, single submitter. Criteria: ACMG Guidelines, 2015. Collection method: clinical testing. Allele origin: unknown. Affected: yes.